The following is an entry in ClinVar:

NM_002471.4(MYH6):c.403A>T (p.Asn135Tyr)

Genes: MYH6 (myosin heavy chain 6; minus strand), LOC114827851 (VISTA enhancer hs2155; plus strand). Cytogenetic location: 14q11.2.
Variant type: single nucleotide variant.
Coding change: c.403A>T on transcript NM_002471.4 (MANE Select); coding-DNA position 403, A replaced by T.
Protein change: p.Asn135Tyr; replaces asparagine 135 with tyrosine.
Molecular consequence: missense variant.
Genome position (GRCh38, 1-based): chr14:23,405,322, T>A on the plus strand (A>T on the coding strand, the complement: MYH6 is on the minus strand). VCF-style: chr14-23405322-T-A. GRCh37 (hg19) VCF-style: chr14-23874531-T-A.
Other names: short protein forms N135Y.
Identifiers: ClinVar variation 3915582 (VCV003915582.1).

ClinVar aggregate classification (germline): Uncertain significance (1 of 4 stars; one submission).

Conditions:
Cardiovascular phenotype. Identifiers: MedGen CN230736.

gnomAD v4.1: 1 of 1,614,130 alleles (0.000062%); highest among the groups gnomAD compares: South Asian, 0.0011%; no homozygotes.

Submission:

Ambry Genetics
Classification: Uncertain significance for Cardiovascular phenotype. Last evaluated: 2025-03-25. Review status: criteria provided, single submitter. Criteria: Ambry Variant Classification Scheme 2023. Collection method: clinical testing. Allele origin: germline.
Comment: The p.N135Y variant (also known as c.403A>T), located in coding exon 3 of the MYH6 gene, results from an A to T substitution at nucleotide position 403. The asparagine at codon 135 is replaced by tyrosine, an amino acid with dissimilar properties. This amino acid position is conserved. In addition, the in silico prediction for this alteration is inconclusive. Based on the available evidence, the clinical significance of this variant remains unclear.